The following is an entry in ClinVar:

ClinVar aggregate classification (germline): Uncertain significance (1 of 4 stars; one submission).

Conditions:
Idiopathic Pulmonary Fibrosis. Also called: Idiopathic fibrosing alveolitis, chronic form; idiopathic fibrosing alveolitis. Identifiers: Orphanet 2032, MedGen C1800706, MeSH D054990, MONDO:0800504.
Dyskeratosis congenita, autosomal dominant 2. Identifiers: MedGen C3151443, MONDO:0013521, OMIM 613989.

Allele frequency attached by ClinVar (database versions not stated): gnomAD exomes below 0.00001.
gnomAD v4.1: 1 of 1,613,212 alleles (0.000062%); highest among the groups gnomAD compares: Non-Finnish European, 0.000085%; no homozygotes.

Submission:

Labcorp Genetics (formerly Invitae), Labcorp
Classification: Uncertain significance for Dyskeratosis congenita, autosomal dominant 2; Idiopathic Pulmonary Fibrosis. Last evaluated: 2023-08-06. Review status: criteria provided, single submitter. Criteria: Invitae Variant Classification Sherloc (09022015). Collection method: clinical testing. Allele origin: germline.
Comment: ClinVar contains an entry for this variant (Variation ID: 860514). In summary, the available evidence is currently insufficient to determine the role of this variant in disease. Therefore, it has been classified as a Variant of Uncertain Significance. Advanced modeling of protein sequence and biophysical properties (such as structural, functional, and spatial information, amino acid conservation, physicochemical variation, residue mobility, and thermodynamic stability) performed at Invitae indicates that this missense variant is not expected to disrupt TERT protein function. This variant has not been reported in the literature in individuals affected with TERT-related conditions. This variant is not present in population databases (gnomAD no frequency). This sequence change replaces glycine, which is neutral and non-polar, with serine, which is neutral and polar, at codon 804 of the TERT protein (p.Gly804Ser).

NM_198253.3(TERT):c.2410G>A (p.Gly804Ser)

Gene: TERT (telomerase reverse transcriptase; minus strand). Cytogenetic location: 5p15.33.
Variant type: single nucleotide variant.
Coding change: c.2410G>A on transcript NM_198253.3 (MANE Select); coding-DNA position 2410, G replaced by A.
Protein change: p.Gly804Ser; replaces glycine 804 with serine.
Molecular consequence: missense variant.
Genome position (GRCh38, 1-based): chr5:1,271,177, C>T on the plus strand (G>A on the coding strand, the complement: TERT is on the minus strand). VCF-style: chr5-1271177-C-T. GRCh37 (hg19) VCF-style: chr5-1271292-C-T.
Other names: c.2410G>A, p.Gly804Ser (NM_001193376.3); short protein forms G804S.
Identifiers: ClinVar variation 860514 (VCV000860514.10), dbSNP rs1749005440, ClinGen allele CA359075789.